The following is an entry in ClinVar:

ClinVar aggregate classification (germline): Uncertain significance. Review status: criteria provided, multiple submitters, no conflicts (2 of 4 stars). 2 submissions from 2 submitters: Uncertain significance (2). Last evaluated 2023-06-16.

Conditions:
Nephrolithiasis/nephrocalcinosis. Identifiers: MedGen CN580796.

Allele frequency attached by ClinVar (database versions not stated): gnomAD exomes below 0.00001; TOPMed below 0.00001.
gnomAD v4.1: 4 of 1,611,656 alleles (0.00025%); highest among the groups gnomAD compares: Non-Finnish European, 0.00034%; no homozygotes.

Submissions (2):

Ambry Genetics
Classification: Uncertain significance for Nephrolithiasis/nephrocalcinosis. Last evaluated: 2023-06-16. Review status: criteria provided, single submitter. Criteria: Ambry Variant Classification Scheme 2023. Collection method: clinical testing. Allele origin: germline.
Comment: The p.A169P variant (also known as c.505G>C), located in coding exon 6 of the GRHPR gene, results from a G to C substitution at nucleotide position 505. The alanine at codon 169 is replaced by proline, an amino acid with highly similar properties. This amino acid position is conserved. In addition, this alteration is predicted to be deleterious by in silico analysis. Since supporting evidence is limited at this time, the clinical significance of this alteration remains unclear.

Blueprint Genetics
Classification: Uncertain significance. Last evaluated: 2020-02-28. Review status: criteria provided, single submitter. Criteria: ACMG Guidelines, 2015. Collection method: clinical testing. Allele origin: germline.

NM_012203.2(GRHPR):c.505G>C (p.Ala169Pro)

Gene: GRHPR (glyoxylate and hydroxypyruvate reductase; plus strand). Cytogenetic location: 9p13.2.
Variant type: single nucleotide variant.
Coding change: c.505G>C on transcript NM_012203.2 (MANE Select); coding-DNA position 505, G replaced by C.
Protein change: p.Ala169Pro; replaces alanine 169 with proline.
Molecular consequence: missense variant.
Genome position (GRCh38, 1-based): chr9:37,429,743, G>C. VCF-style: chr9-37429743-G-C. GRCh37 (hg19) VCF-style: chr9-37429740-G-C.
Other names: short protein forms A169P.
Identifiers: ClinVar variation 2625217 (VCV002625217.3), dbSNP rs1028582929, ClinGen allele CA192890534.
Genomic context (GRCh38, chr9:37,429,743, plus strand): 5'-CCTACCCTTTGCGGGACTGGGAACGAGACATGGACTCTCCTTGCTCTAGGCCAGGCCATT[G>C]CTCGGCGTCTGAAACCATTCGGTGTCCAGAGATTTCTGTACACAGGGCGCCAGCCCAGGC-3'
Protein context (NP_036335.1, residues 159-179): IGLGRIGQAI[Ala169Pro]RRLKPFGVQR